The following is an entry in ClinVar:

ClinVar aggregate classification (germline): Uncertain significance (1 of 4 stars; one submission).

Submission:

Dasa
Classification: Uncertain significance. Last evaluated: 2025-07-05. Review status: criteria provided, single submitter. Criteria: DASA Assertion Criteria. Collection method: clinical testing. Allele origin: germline.
Comment: NM_003797.5(EED):c.1264A>G (p.Ser422Gly) is a missense variant that results in the substitution of serine with glycine. This variant is absent from population databases. Computational prediction algorithms are consistent with a benign effect. The currently available literature and clinical evidence are not sufficient to establish a definitive association between this variant and the reported condition. Therefore, this variant is classified as a variant of uncertain significance.

NM_003797.5(EED):c.1264A>G (p.Ser422Gly)

Gene: EED (embryonic ectoderm development; plus strand). Cytogenetic location: 11q14.2.
Variant type: single nucleotide variant.
Coding change: c.1264A>G on transcript NM_003797.5 (MANE Select); coding-DNA position 1264, A replaced by G.
Protein change: p.Ser422Gly; replaces serine 422 with glycine.
Molecular consequence: missense variant. On other transcripts: 3 prime UTR variant (5), intron variant (3).
Genome position (GRCh38, 1-based): chr11:86,278,463, A>G. VCF-style: chr11-86278463-A-G. GRCh37 (hg19) VCF-style: chr11-85989505-A-G.
Other names: c.1339A>G, p.Ser447Gly (NM_001308007.2); c.1024A>G, p.Ser342Gly (NM_001330334.2); c.*468A>G (NM_001440586.1, NM_001440589.1); c.1246A>G, p.Ser416Gly (NM_001440587.1); c.1198A>G, p.Ser400Gly (NM_001440591.1); c.1180A>G, p.Ser394Gly (NM_001440592.1); c.1171A>G, p.Ser391Gly (NM_001440594.1); c.*1295A>G (NM_001440595.1); and 9 more; short protein forms S311G, S340G, S342G, S358G, S365G, S391G, S394G, S400G.
Identifiers: ClinVar variation 4882574 (VCV004882574.2).